The following is an entry in ClinVar:

ClinVar aggregate classification (germline): Uncertain significance (1 of 4 stars; one submission).

Submission:

Labcorp Genetics (formerly Invitae), Labcorp
Classification: Uncertain significance. Last evaluated: 2021-10-25. Review status: criteria provided, single submitter. Criteria: Invitae Variant Classification Sherloc (09022015). Collection method: clinical testing. Allele origin: germline.
Comment: Advanced modeling of protein sequence and biophysical properties (such as structural, functional, and spatial information, amino acid conservation, physicochemical variation, residue mobility, and thermodynamic stability) performed at Invitae indicates that this missense variant is not expected to disrupt KMT2A protein function. In summary, the available evidence is currently insufficient to determine the role of this variant in disease. Therefore, it has been classified as a Variant of Uncertain Significance. Algorithms developed to predict the effect of sequence changes on RNA splicing suggest that this variant may create or strengthen a splice site. This variant has not been reported in the literature in individuals affected with KMT2A-related conditions. The frequency data for this variant in the population databases is considered unreliable, as metrics indicate insufficient coverage at this position in the ExAC database. This sequence change replaces glycine with arginine at codon 43 of the KMT2A protein (p.Gly43Arg). The glycine residue is weakly conserved and there is a moderate physicochemical difference between glycine and arginine.

NM_001197104.2(KMT2A):c.127G>A (p.Gly43Arg)

Gene: KMT2A (lysine methyltransferase 2A; plus strand). Cytogenetic location: 11q23.3.
Variant type: single nucleotide variant.
Coding change: c.127G>A on transcript NM_001197104.2 (MANE Select); coding-DNA position 127, G replaced by A.
Protein change: p.Gly43Arg; replaces glycine 43 with arginine.
Molecular consequence: missense variant.
Genome position (GRCh38, 1-based): chr11:118,436,639, G>A. VCF-style: chr11-118436639-G-A. GRCh37 (hg19) VCF-style: chr11-118307354-G-A.
Other names: c.127G>A, p.Gly43Arg (NM_005933.4); short protein forms G43R.
Identifiers: ClinVar variation 1440315 (VCV001440315.6), dbSNP rs1275159840, ClinGen allele CA382797301.